The following is an entry in ClinVar:

ClinVar aggregate classification (germline): Pathogenic/Likely pathogenic. Review status: criteria provided, multiple submitters, no conflicts (2 of 4 stars). 3 submissions from 3 submitters: Pathogenic (2); Likely pathogenic (1). Last evaluated 2026-08-07.

Conditions:
RPGR-related disorder. Also called: RPGR-related condition.
Primary ciliary dyskinesia. Also called: Ciliary dyskinesia. Identifiers: Orphanet 244, MedGen C0008780, MONDO:0016575, HP:0012265.
Retinal disorder. Also called: Retinopathy; Retinopathies; Retinal Diseases; Retinal disorders. Identifiers: MedGen C0035309, MONDO:0005283, HP:0000488.

Submissions (3):

Genetics Laboratory, Great Ormond Street Hospital NHS Foundation Trust, North Thames Genomic Laboratory Hub
Classification: Likely pathogenic for Retinal disorders. Last evaluated: 2026-08-07. Review status: criteria provided, single submitter. Criteria: ACGS Best Practice Guidelines for Variant Classification in Rare Disease 2024 v1.2. Collection method: clinical testing. Allele origin: germline. Affected: yes.
Comment: PS4_supporting, PM2_moderate, PVS1_strong

Blueprint Genetics
Classification: Pathogenic for RPGR-related disorders. Last evaluated: 2022-11-01. Review status: criteria provided, single submitter. Criteria: ACMG Guidelines, 2015. Collection method: clinical testing. Allele origin: germline. Affected: yes. Observed: 1 variant allele.

Labcorp Genetics (formerly Invitae), Labcorp
Classification: Pathogenic for Primary ciliary dyskinesia. Last evaluated: 2021-12-01. Review status: criteria provided, single submitter. Criteria: Invitae Variant Classification Sherloc (09022015). Collection method: clinical testing. Allele origin: germline.
Comment: This variant is also known as ORF15+459G>T. This sequence change creates a premature translational stop signal (p.Gly738*) in the RPGR (ORF15) gene. While this is not anticipated to result in nonsense mediated decay, it is expected to disrupt the last 415 amino acid(s) of the RPGR (ORF15) protein. This variant is not present in population databases (gnomAD no frequency). This premature translational stop signal has been observed in individual(s) with retinitis pigmentosa (PMID: 21857984). This variant disrupts a region of the RPGR (ORF15) protein in which other variant(s) (p.Leu1130Lysfs*13) have been determined to be pathogenic (PMID: 22264887; Invitae). This suggests that this is a clinically significant region of the protein, and that variants that disrupt it are likely to be disease-causing. For these reasons, this variant has been classified as Pathogenic.

Literature cited by the submitters: PubMed 21857984 (cited by Labcorp Genetics (formerly Invitae), Labcorp); PubMed 22264887 (cited by Labcorp Genetics (formerly Invitae), Labcorp).

NM_001034853.2(RPGR):c.2212G>T (p.Gly738Ter)

Gene: RPGR (retinitis pigmentosa GTPase regulator; minus strand). Cytogenetic location: Xp11.4.
Variant type: single nucleotide variant.
Coding change: c.2212G>T on transcript NM_001034853.2 (MANE Select); coding-DNA position 2212, G replaced by T.
Protein change: p.Gly738Ter; replaces glycine 738 with a stop codon.
Molecular consequence: nonsense. On other transcripts: intron variant (8).
Genome position (GRCh38, 1-based): chrX:38,286,787, C>A on the plus strand (G>T on the coding strand, the complement: RPGR is on the minus strand). VCF-style: chrX-38286787-C-A. GRCh37 (hg19) VCF-style: chrX-38146040-C-A.
Other names: c.1569+4172G>T (NM_001367249.1, NM_001367250.1); c.1902+307G>T (NM_001367245.1); c.1386+4172G>T (NM_001367251.1); c.1719+307G>T (NM_001367246.1); c.1572+4172G>T (NM_001367247.1); c.1905+307G>T (NM_000328.3); c.1602+4172G>T (NM_001367248.1); short protein forms G738*.
Identifiers: ClinVar variation 2138537 (VCV002138537.6), dbSNP rs2519792921, ClinGen allele CA412731175.